The following is an entry in ClinVar:

ClinVar aggregate classification (germline): Uncertain significance (1 of 4 stars; one submission).

Conditions:
Familial thoracic aortic aneurysm and aortic dissection (TAAD). Also called: Thoracic aortic aneurysms and dissections. Identifiers: Orphanet 91387, MedGen C4707243, MONDO:0019625.

Submission:

Labcorp Genetics (formerly Invitae), Labcorp
Classification: Uncertain significance for Familial thoracic aortic aneurysm and aortic dissection. Last evaluated: 2017-03-07. Review status: criteria provided, single submitter. Criteria: Invitae Variant Classification Sherloc (09022015). Collection method: clinical testing. Allele origin: germline.
Comment: In summary, this is a novel variant with an uncertain impact on protein function. It has been classified as a Variant of Uncertain Significance. Experimental studies and prediction algorithms are not available for this variant, and the functional significance of the additional amino acids are currently unknown. This variant is not present in population databases (ExAC no frequency) and has not been reported in the literature in individuals with a SMAD3-related disease. This sequence change disrupts the translational stop signal of the SMAD3 mRNA. It replaces the original stop signal with a tyrosine residue and extends the length of the SMAD3 protein by five additional amino acid residues (p.*426Tyrext*6).

NM_005902.4(SMAD3):c.1278G>C (p.Ter426Tyr)

Gene: SMAD3 (SMAD family member 3; plus strand). Cytogenetic location: 15q22.33.
Variant type: single nucleotide variant.
Coding change: c.1278G>C on transcript NM_005902.4 (MANE Select); coding-DNA position 1278, G replaced by C.
Protein change: p.Ter426Tyr.
Molecular consequence: stop lost.
Genome position (GRCh38, 1-based): chr15:67,190,536, G>C. VCF-style: chr15-67190536-G-C. GRCh37 (hg19) VCF-style: chr15-67482874-G-C.
Other names: *426Y; *231Y; *382Y; *321Y; c.963G>C, p.Ter321Tyr (NM_001145102.2); c.1146G>C, p.Ter382Tyr (NM_001145103.2); c.693G>C, p.Ter231Tyr (NM_001145104.2).
Identifiers: ClinVar variation 477569 (VCV000477569.7), dbSNP rs1555414506, ClinGen allele CA392959067.